The following is an entry in ClinVar:

NM_000455.5(STK11):c.836G>C (p.Gly279Ala)

Gene: STK11 (serine/threonine kinase 11; plus strand). Cytogenetic location: 19p13.3.
Variant type: single nucleotide variant.
Coding change: c.836G>C on transcript NM_000455.5 (MANE Select); coding-DNA position 836, G replaced by C.
Protein change: p.Gly279Ala; replaces glycine 279 with alanine.
Molecular consequence: missense variant. On other transcripts: non-coding transcript variant (1).
Genome position (GRCh38, 1-based): chr19:1,221,314, G>C. VCF-style: chr19-1221314-G-C. GRCh37 (hg19) VCF-style: chr19-1221313-G-C.
Other names: c.836G>C, p.Gly279Ala (NM_001407255.1); short protein forms G279A.
Identifiers: ClinVar variation 3069267 (VCV003069267.1), dbSNP rs865941858, ClinGen allele CA304026842.

ClinVar aggregate classification (germline): Uncertain significance (1 of 4 stars; one submission).

Conditions:
Peutz-Jeghers syndrome (PJS). Also called: POLYPOSIS, HAMARTOMATOUS INTESTINAL; POLYPS-AND-SPOTS SYNDROME; Peutz-Jeghers polyposis; Periorificial lentiginosis syndrome. Identifiers: Orphanet 2869, MedGen C0031269, MeSH D010580, MONDO:0008280, OMIM 175200.

Submission:

All of Us Research Program, National Institutes of Health
Classification: Uncertain significance for Peutz-Jeghers syndrome. Last evaluated: 2023-05-04. Review status: criteria provided, single submitter. Criteria: ACMG Guidelines, 2015. Collection method: clinical testing. Allele origin: germline. Inheritance: Autosomal dominant inheritance. Observed: 1 variant allele, 1 heterozygote.
Comment: This missense variant replaces glycine with alanine at codon 279 of the STK11 protein. Computational prediction suggests that this variant may not impact protein structure and function (internally defined REVEL score threshold <= 0.5, PMID: 27666373). To our knowledge, functional studies have not been reported for this variant. This variant has not been reported in individuals affected with STK11-related disorders in the literature. This variant has not been identified in the general population by the Genome Aggregation Database (gnomAD). The available evidence is insufficient to determine the role of this variant in disease conclusively. Therefore, this variant is classified as a Variant of Uncertain Significance.

This study involves interpretation of variants in research participants for the purpose of population health screening. Participant phenotype was not available at the time of variant classification. Additional details can be found in publication PMID: 35346344, PMCID: PMC8962531